The following is an entry in ClinVar:

ClinVar aggregate classification (germline): Uncertain significance. Review status: criteria provided, multiple submitters, no conflicts (2 of 4 stars). 6 submissions from 6 submitters: Uncertain significance (6). Last evaluated 2026-05-29.

Conditions:
TGFBR2-related disorder. Also called: TGFBR2-related condition.
Loeys-Dietz syndrome 2 (LDS2). Also called: AORTIC ANEURYSM, FAMILIAL THORACIC 3; MARFAN SYNDROME, TYPE II; TGFBR2-Related Loeys-Dietz Syndrome; Marfan syndrome, type 2 (formerly); Marfan Syndrome type 2; Marfan like connective tissue disorder. Identifiers: Orphanet 284973, Orphanet 558, MedGen C2674574, MONDO:0012427, OMIM 610168.
Familial thoracic aortic aneurysm and aortic dissection (TAAD). Also called: Thoracic aortic aneurysms and dissections. Identifiers: Orphanet 91387, MedGen C4707243, MONDO:0019625.

Allele frequency attached by ClinVar (database versions not stated): TOPMed below 0.00001; gnomAD 0.00001; gnomAD exomes 0.00001 and 0.00002; ExAC 0.00002.
gnomAD v4.1: 14 of 1,614,164 alleles (0.00087%); highest among the groups gnomAD compares: East Asian, 0.0045%; no homozygotes.

Submissions (6):

GeneDx
Classification: Uncertain significance. Last evaluated: 2026-05-29. Review status: criteria provided, single submitter. Criteria: GeneDx Variant Classification Process June 2021. Collection method: clinical testing. Allele origin: germline.
Comment: Not observed at significant frequency in large population cohorts (gnomAD); In silico analysis supports that this missense variant has a deleterious effect on protein structure/function; Has not been previously published as pathogenic or benign to our knowledge

Labcorp Genetics (formerly Invitae), Labcorp
Classification: Uncertain significance for Familial thoracic aortic aneurysm and aortic dissection. Last evaluated: 2026-01-06. Review status: criteria provided, single submitter. Criteria: Invitae Variant Classification Sherloc (09022015). Collection method: clinical testing. Allele origin: germline.
Comment: This sequence change replaces tyrosine, which is neutral and polar, with cysteine, which is neutral and slightly polar, at codon 259 of the TGFBR2 protein (p.Tyr259Cys). This variant is present in population databases (rs767919854, gnomAD 0.01%). This variant has not been reported in the literature in individuals affected with TGFBR2-related conditions. ClinVar contains an entry for this variant (Variation ID: 921421). Invitae Evidence Modeling of protein sequence and biophysical properties (such as structural, functional, and spatial information, amino acid conservation, physicochemical variation, residue mobility, and thermodynamic stability) indicates that this missense variant is expected to disrupt TGFBR2 protein function with a positive predictive value of 95%. In summary, the available evidence is currently insufficient to determine the role of this variant in disease. Therefore, it has been classified as a Variant of Uncertain Significance.

PreventionGenetics, part of Exact Sciences
Classification: Uncertain significance for TGFBR2-related condition. Last evaluated: 2025-12-07. Review status: criteria provided, single submitter. Criteria: ACMG Guidelines, 2015. Collection method: clinical testing. Allele origin: germline.
Comment: The TGFBR2 c.776A>G variant is predicted to result in the amino acid substitution p.Tyr259Cys. To our knowledge, this variant has not been reported in the literature. This variant is reported in 0.012% of alleles in individuals of African descent in gnomAD. At this time, the clinical significance of this variant is uncertain due to the absence of conclusive functional and genetic evidence.

Ambry Genetics
Classification: Uncertain significance for Familial thoracic aortic aneurysm and aortic dissection. Last evaluated: 2024-03-14. Review status: criteria provided, single submitter. Criteria: Ambry Variant Classification Scheme 2023. Collection method: clinical testing. Allele origin: germline.
Comment: The p.Y259C variant (also known as c.776A>G), located in coding exon 4 of the TGFBR2 gene, results from an A to G substitution at nucleotide position 776. The tyrosine at codon 259 is replaced by cysteine, an amino acid with highly dissimilar properties. This amino acid position is conserved. In addition, this alteration is predicted to be deleterious by in silico analysis. Based on the available evidence, the clinical significance of this alteration remains unclear.

Color Diagnostics, LLC DBA Color Health
Classification: Uncertain significance for Familial thoracic aortic aneurysm and aortic dissection. Last evaluated: 2024-03-06. Review status: criteria provided, single submitter. Criteria: ACMG Guidelines, 2015. Collection method: clinical testing. Allele origin: germline.
Comment: This missense variant replaces tyrosine with cysteine at codon 259 of the TGFBR2 protein. Computational prediction suggests that this variant may have deleterious impact on protein structure and function (internally defined REVEL score threshold >= 0.7, PMID: 27666373). Splice site prediction tools suggest that this variant may not impact RNA splicing. To our knowledge, functional studies have not been performed for this variant. This variant has not been reported in individuals affected with cardiovascular disorders in the literature. This variant has been identified in 4/249502 chromosomes in the general population by the Genome Aggregation Database (gnomAD). The available evidence is insufficient to determine the role of this variant in disease conclusively. Therefore, this variant is classified as a Variant of Uncertain Significance.

All of Us Research Program, National Institutes of Health
Classification: Uncertain significance for Loeys-Dietz syndrome 2. Last evaluated: 2023-04-03. Review status: criteria provided, single submitter. Criteria: ACMG Guidelines, 2015. Collection method: clinical testing. Allele origin: germline. Inheritance: Autosomal dominant inheritance. Observed: 1 variant allele, 1 heterozygote.
Comment: This missense variant replaces tyrosine with cysteine at codon 259 of the TGFBR2 protein. Computational prediction suggests that this variant may have deleterious impact on protein structure and function (internally defined REVEL score threshold >= 0.7, PMID: 27666373). Splice site prediction tools suggest that this variant may not impact RNA splicing. To our knowledge, functional studies have not been performed for this variant. This variant has not been reported in individuals affected with cardiovascular disorders in the literature. This variant has been identified in 4/249502 chromosomes in the general population by the Genome Aggregation Database (gnomAD). The available evidence is insufficient to determine the role of this variant in disease conclusively. Therefore, this variant is classified as a Variant of Uncertain Significance.

This study involves interpretation of variants in research participants for the purpose of population health screening. Participant phenotype was not available at the time of variant classification. Additional details can be found in publication PMID: 35346344, PMCID: PMC8962531

NM_003242.6(TGFBR2):c.776A>G (p.Tyr259Cys)

Gene: TGFBR2 (transforming growth factor beta receptor 2; plus strand). Cytogenetic location: 3p24.1.
Variant type: single nucleotide variant.
Coding change: c.776A>G on transcript NM_003242.6 (MANE Select); coding-DNA position 776, A replaced by G.
Protein change: p.Tyr259Cys; replaces tyrosine 259 with cysteine.
Molecular consequence: missense variant.
Genome position (GRCh38, 1-based): chr3:30,671,959, A>G. VCF-style: chr3-30671959-A-G. GRCh37 (hg19) VCF-style: chr3-30713451-A-G.
Other names: c.851A>G, p.Tyr284Cys (NM_001024847.3); c.959A>G, p.Tyr320Cys (NM_001407126.1); c.884A>G, p.Tyr295Cys (NM_001407127.1); c.803A>G, p.Tyr268Cys (NM_001407128.1); c.779A>G, p.Tyr260Cys (NM_001407129.1); c.776A>G, p.Tyr259Cys (NM_001407130.1); c.671A>G, p.Tyr224Cys (NM_001407132.1, NM_001407133.1, NM_001407134.1 and 2 more transcripts); c.491A>G, p.Tyr164Cys (NM_001407137.1); and 1 more; short protein forms Y259C, Y284C, Y139C, Y164C, Y268C, Y295C, Y260C, Y320C.
Identifiers: ClinVar variation 921421 (VCV000921421.14), dbSNP rs767919854, ClinGen allele CA049882.